The following is an entry in ClinVar:

ClinVar aggregate classification (germline): Conflicting classifications of pathogenicity. Review status: criteria provided, conflicting classifications (1 of 4 stars). 10 submissions from 10 submitters: Uncertain significance (8); Likely benign (2). Last evaluated 2026-10-16.

Conditions:
Fanconi anemia complementation group J. Also called: BRIP1-Related Fanconi Anemia. Identifiers: Orphanet 84, MedGen C1836860, MONDO:0012187, OMIM 609054.
Familial cancer of breast. Also called: hereditary breast carcinoma; Hereditary breast cancer; BREAST CANCER, FAMILIAL. Identifiers: Orphanet 227535, MedGen C0346153, MONDO:0016419, OMIM 114480. Disease mechanism: loss of function.
Hereditary cancer-predisposing syndrome. Also called: Hereditary Cancer Syndrome; Tumor predisposition; Hereditary neoplastic syndrome; Neoplastic Syndromes, Hereditary. Identifiers: Orphanet 140162, MedGen C0027672, MeSH D009386, MONDO:0015356.
Inherited ovarian cancer (without breast cancer).
BRIP1-related disorder. Also called: BRIP1-related condition; BRIP1-related disorders. Identifiers: MedGen CN239206.

Allele frequency attached by ClinVar (database versions not stated): gnomAD exomes below 0.00001 and 0.00003; gnomAD 0.00001; TOPMed 0.00002.
gnomAD v4.1: 46 of 1,613,792 alleles (0.0029%); highest among the groups gnomAD compares: Non-Finnish European, 0.0039%; no homozygotes.

Submissions (10):

Cambridge Genomics Laboratory, East Genomic Laboratory Hub, NHS Genomic Medicine Service
Classification: Likely benign for Inherited ovarian cancer (without breast cancer). Last evaluated: 2026-10-16. Review status: criteria provided, single submitter. Criteria: ACGS Best Practice Guidelines for Variant Classification in Rare Disease 2020. Collection method: clinical testing. Allele origin: germline. Affected: yes.
Comment: BP1,BP4

PreventionGenetics, part of Exact Sciences
Classification: Uncertain significance for BRIP1-related condition. Last evaluated: 2026-06-24. Review status: criteria provided, single submitter. Criteria: ACMG Guidelines, 2015. Collection method: clinical testing. Allele origin: germline.
Comment: The BRIP1 c.626A>G variant is predicted to result in the amino acid substitution p.Lys209Arg. This variant has been reported in individuals with breast and/or ovarian cancer (Bhai et al. 2021. PubMed ID: 34326862; Rafnar et al. 2011. PubMed ID: 21964575). This variant is reported in 0.00088% of alleles in individuals of European (Non-Finnish) descent in gnomAD and has conflicting interpretations in ClinVar ranging from uncertain to likely benign (Variation ID: 229895). At this time, the clinical significance of this variant is uncertain due to the absence of conclusive functional and genetic evidence.

Labcorp Genetics (formerly Invitae), Labcorp
Classification: Uncertain significance for Familial cancer of breast; Fanconi anemia complementation group J. Last evaluated: 2026-01-21. Review status: criteria provided, single submitter. Criteria: Invitae Variant Classification Sherloc (09022015). Collection method: clinical testing. Allele origin: germline.
Comment: This sequence change replaces lysine, which is basic and polar, with arginine, which is basic and polar, at codon 209 of the BRIP1 protein (p.Lys209Arg). This variant is present in population databases (rs748912293, gnomAD 0.0009%). This missense change has been observed in individual(s) with breast cancer and/or ovarian cancer (PMID: 21964575, 34326862). ClinVar contains an entry for this variant (Variation ID: 229895). Invitae Evidence Modeling of protein sequence and biophysical properties (such as structural, functional, and spatial information, amino acid conservation, physicochemical variation, residue mobility, and thermodynamic stability) indicates that this missense variant is not expected to disrupt BRIP1 protein function with a negative predictive value of 95%. RNA analysis performed to evaluate the impact of this missense change on mRNA splicing indicates it does not significantly alter splicing (internal data). In summary, the available evidence is currently insufficient to determine the role of this variant in disease. Therefore, it has been classified as a Variant of Uncertain Significance.

Center for Genomic Medicine, Rigshospitalet, Copenhagen University Hospital
Classification: Uncertain significance. Last evaluated: 2025-03-04. Review status: criteria provided, single submitter. Criteria: ACMG Guidelines, 2015. Collection method: clinical testing. Allele origin: germline.

Ambry Genetics
Classification: Likely benign for Hereditary cancer-predisposing syndrome. Last evaluated: 2025-01-14. Review status: criteria provided, single submitter. Criteria: Ambry Variant Classification Scheme 2023. Collection method: clinical testing. Allele origin: germline.

Color Diagnostics, LLC DBA Color Health
Classification: Uncertain significance for Hereditary cancer-predisposing syndrome. Last evaluated: 2024-08-12. Review status: criteria provided, single submitter. Criteria: ACMG Guidelines, 2015. Collection method: clinical testing. Allele origin: germline.
Comment: This missense variant replaces lysine with arginine at codon 209 of the BRIP1 protein. Computational prediction suggests that this variant may not impact protein structure and function. Splice site prediction tools suggest that this variant may impact RNA splicing. However, an RNA study using carrier-derived RNA has shown that the full length BRIP1 RNA transcript is produced from the variant allele (unpublished data from the King Lab. Abstract 796W, ASHG 2017). This variant has been reported in an individual affected with ovarian cancer (PMID: 21964575). This variant has been identified in 1/251298 chromosomes in the general population by the Genome Aggregation Database (gnomAD). The available evidence is insufficient to determine the role of this variant in disease conclusively. Therefore, this variant is classified as a Variant of Uncertain Significance.

GeneDx
Classification: Uncertain significance. Last evaluated: 2023-11-13. Review status: criteria provided, single submitter. Criteria: GeneDx Variant Classification Process June 2021. Collection method: clinical testing. Allele origin: germline. Affected: yes.
Comment: Not observed at significant frequency in large population cohorts (gnomAD); In silico analysis supports that this missense variant does not alter protein structure/function; A published functional study suggests this variant may impact splicing, but did not describe the nature or quantity of aberrant transcript present (PMID: 31843900); Identified in an individual with ovarian cancer (PMID: 21964575); This variant is associated with the following publications: (PMID: 31843900, 21964575)

Baylor Genetics
Classification: Uncertain significance for Familial cancer of breast. Last evaluated: 2023-09-27. Review status: criteria provided, single submitter. Criteria: ACMG Guidelines, 2015. Collection method: clinical testing. Allele origin: unknown.

MGZ Medical Genetics Center
Classification: Uncertain significance for Familial cancer of breast. Last evaluated: 2022-05-02. Review status: criteria provided, single submitter. Criteria: ACMG Guidelines, 2015. Collection method: clinical testing. Allele origin: germline. Affected: yes. Observed: 1 variant allele.
Comment: ACMG criteria applied: PM2_SUP, BP4

Revvity Omics, Revvity
Classification: Uncertain significance for Fanconi anemia complementation group J. Last evaluated: 2019-11-26. Review status: criteria provided, single submitter. Criteria: ACMG Guidelines, 2015. Collection method: clinical testing. Allele origin: germline.

Literature cited by the submitters: PubMed 21964575 (cited by 4 submitters); PubMed 34326862 (cited by Labcorp Genetics (formerly Invitae), Labcorp).

NM_032043.3(BRIP1):c.626A>G (p.Lys209Arg)

Gene: BRIP1 (BRCA1 interacting DNA helicase 1; minus strand). Cytogenetic location: 17q23.2.
Variant type: single nucleotide variant.
Coding change: c.626A>G on transcript NM_032043.3 (MANE Select); coding-DNA position 626, A replaced by G.
Protein change: p.Lys209Arg; replaces lysine 209 with arginine.
Molecular consequence: missense variant.
Genome position (GRCh38, 1-based): chr17:61,847,102, T>C on the plus strand (A>G on the coding strand, the complement: BRIP1 is on the minus strand). VCF-style: chr17-61847102-T-C. GRCh37 (hg19) VCF-style: chr17-59924463-T-C.
Other names: short protein forms K209R.
Identifiers: ClinVar variation 229895 (VCV000229895.37), dbSNP rs748912293, ClinGen allele CA10580865.